The following is an entry in ClinVar:

Conditions:
Breast-ovarian cancer, familial, susceptibility to, 1 (BROVCA1). Also called: BRCA1 Hereditary Breast and Ovarian Cancer; OVARIAN CANCER, SUSCEPTIBILITY TO. Identifiers: Orphanet 145, MedGen C2676676, MONDO:0011450, OMIM 604370. Disease mechanism: loss of function.

Submission:

Brotman Baty Institute, University of Washington
No classification provided (evidence only). Condition: Breast-ovarian cancer, familial 1. Review status: no classification provided. Collection method: in vitro. Allele origin: not applicable. Functional consequence: functionally_normal.
ClinVar note: "not provided" was previously submitted as the classification for the variant. However, the classification appeared to be based only on an observation of functional data so it was converted to no classification on 2025-07-30.

NM_007294.4(BRCA1):c.5152+3A>G

Gene: BRCA1 (BRCA1 DNA repair associated; minus strand). Cytogenetic location: 17q21.31.
Variant type: single nucleotide variant.
Coding change: c.5152+3A>G on transcript NM_007294.4 (MANE Select); 3 bases into the intron after coding-DNA position 5152, A replaced by G.
Molecular consequence: intron variant.
Genome position (GRCh38, 1-based): chr17:43,063,871, T>C on the plus strand (A>G on the coding strand, the complement: BRCA1 is on the minus strand). VCF-style: chr17-43063871-T-C. GRCh37 (hg19) VCF-style: chr17-41215888-T-C.
Other names: c.1699+3A>G (NM_001408458.1, NM_001408461.1, NM_001408464.1 and 7 more transcripts); c.4261+3A>G (NM_001407967.1); c.4771+3A>G (NM_001407959.1); c.4885+3A>G (NM_001407931.1, NM_001407932.1, NM_001407928.1 and 4 more transcripts); c.5008+3A>G (NM_001407747.1, NM_001407745.1, NM_001407737.1 and 21 more transcripts); c.4768+3A>G (NM_001407962.1, NM_001407960.1); c.1339+3A>G (NM_001408512.1); c.1462+3A>G (NM_001408510.1); and 73 more.
Identifiers: ClinVar variation 867704 (VCV000867704.3), dbSNP rs80358124, ClinGen allele CA916080126.